The following is an entry in ClinVar:

ClinVar aggregate classification (germline): Pathogenic. Review status: reviewed by expert panel (3 of 4 stars). 3 submissions from 3 submitters: Pathogenic (1). 2 of the submissions do not count toward it. Last evaluated 2016-10-18.

Conditions:
Breast-ovarian cancer, familial, susceptibility to, 2 (BROVCA2). Also called: BRCA2 Hereditary Breast and Ovarian Cancer. Identifiers: Orphanet 145, MedGen C2675520, MONDO:0012933, OMIM 612555. Disease mechanism: loss of function.
Hereditary breast ovarian cancer syndrome. Also called: BRCA1- and BRCA2-Associated Hereditary Breast and Ovarian Cancer; Hereditary breast and ovarian cancer; Breast and ovarian cancer; Hereditary breast and/or ovarian cancer syndrome; Hereditary breast and ovarian cancer syndrome; Hereditary breast and ovarian cancer syndrome (HBOC). Identifiers: Orphanet 145, MedGen C0677776, MeSH D061325, MONDO:0003582. Disease mechanism: loss of function.

Submissions (3):

Evidence-based Network for the Interpretation of Germline Mutant Alleles (ENIGMA)
Classification: Pathogenic for Breast-ovarian cancer, familial, susceptibility to, 2. Last evaluated: 2016-10-18. Review status: reviewed by expert panel. Criteria: ENIGMA BRCA1/2 Classification Criteria (2015). Collection method: curation. Allele origin: germline.
Comment: Variant allele predicted to encode a truncated non-functional protein.

Labcorp Genetics (formerly Invitae), Labcorp
Classification: Pathogenic for Hereditary breast ovarian cancer syndrome. Last evaluated: 2022-11-15. Review status: criteria provided, single submitter. Criteria: Invitae Variant Classification Sherloc (09022015). Collection method: clinical testing. Allele origin: germline. Not counted in ClinVar's aggregate classification.
Comment: For these reasons, this variant has been classified as Pathogenic. ClinVar contains an entry for this variant (Variation ID: 266841). This premature translational stop signal has been observed in individual(s) with prostate cancer (PMID: 21952622). This variant is not present in population databases (gnomAD no frequency). This sequence change creates a premature translational stop signal (p.Tyr1661Ilefs*9) in the BRCA2 gene. It is expected to result in an absent or disrupted protein product. Loss-of-function variants in BRCA2 are known to be pathogenic (PMID: 20104584).

Consortium of Investigators of Modifiers of BRCA1/2 (CIMBA), c/o University of Cambridge
Classification: Pathogenic for Breast-ovarian cancer, familial, susceptibility to, 2. Last evaluated: 2015-10-02. Review status: criteria provided, single submitter. Criteria: CIMBA Mutation Classification guidelines May 2016. Collection method: clinical testing. Allele origin: germline. Not counted in ClinVar's aggregate classification.

Literature cited by the submitters: PubMed 21952622 (cited by Labcorp Genetics (formerly Invitae), Labcorp); PubMed 20104584 (cited by Labcorp Genetics (formerly Invitae), Labcorp).

NM_000059.4(BRCA2):c.4981del (p.Tyr1661fs)

Gene: BRCA2 (BRCA2 DNA repair associated; plus strand). Cytogenetic location: 13q13.1.
Variant type: Deletion.
Coding change: c.4981del on transcript NM_000059.4 (MANE Select); coding-DNA position 4981, one base deleted (T; older notation c.4981delT).
Protein change: p.Tyr1661fs; shifts the reading frame from tyrosine 1661.
Molecular consequence: frameshift variant.
Genome position (GRCh38, 1-based): chr13:32,339,336, T deleted; the last of 2 consecutive T bases (chr13:32,339,335-32,339,336); deleting either gives the same sequence. VCF-style (leftmost placement, unchanged base first): chr13-32339334-CT-C. GRCh37 (hg19) VCF-style: chr13-32913471-CT-C.
Other names: 5209delT; short protein forms Y1661fs.
Identifiers: ClinVar variation 266841 (VCV000266841.10), dbSNP rs886040558, ClinGen allele CA10589280.